The following is an entry in ClinVar:

NM_001365088.1(SLC12A6):c.1648A>G (p.Lys550Glu)

Gene: SLC12A6 (solute carrier family 12 member 6; minus strand). Cytogenetic location: 15q14.
Variant type: single nucleotide variant.
Coding change: c.1648A>G on transcript NM_001365088.1 (MANE Select); coding-DNA position 1648, A replaced by G.
Protein change: p.Lys550Glu; replaces lysine 550 with glutamic acid.
Molecular consequence: missense variant.
Genome position (GRCh38, 1-based): chr15:34,250,299, T>C on the plus strand (A>G on the coding strand, the complement: SLC12A6 is on the minus strand). VCF-style: chr15-34250299-T-C. GRCh37 (hg19) VCF-style: chr15-34542500-T-C.
Other names: c.1471A>G, p.Lys491Glu (NM_001042494.2, NM_001042495.2); c.1621A>G, p.Lys541Glu (NM_001042496.2); c.1603A>G, p.Lys535Glu (NM_001042497.2); c.1495A>G, p.Lys499Glu (NM_005135.2); c.1648A>G, p.Lys550Glu (NM_133647.2); short protein forms K541E, K535E, K491E, K499E, K550E.
Identifiers: ClinVar variation 2810894 (VCV002810894.3), dbSNP rs2509800534, ClinGen allele CA391605227.

ClinVar aggregate classification (germline): Uncertain significance (1 of 4 stars; one submission).

Submission:

Labcorp Genetics (formerly Invitae), Labcorp
Classification: Uncertain significance. Last evaluated: 2023-03-09. Review status: criteria provided, single submitter. Criteria: Invitae Variant Classification Sherloc (09022015). Collection method: clinical testing. Allele origin: germline.
Comment: This sequence change replaces lysine, which is basic and polar, with glutamic acid, which is acidic and polar, at codon 550 of the SLC12A6 protein (p.Lys550Glu). In summary, the available evidence is currently insufficient to determine the role of this variant in disease. Therefore, it has been classified as a Variant of Uncertain Significance. An algorithm developed to predict the effect of missense changes on protein structure and function (PolyPhen-2) suggests that this variant is likely to be disruptive. This variant has not been reported in the literature in individuals affected with SLC12A6-related conditions. This variant is not present in population databases (gnomAD no frequency).